The following is an entry in ClinVar:

ClinVar aggregate classification (germline): Likely benign. Review status: reviewed by expert panel (3 of 4 stars). 10 submissions from 10 submitters: Likely benign (1). 9 of the submissions do not count toward it. Last evaluated 2017-06-29.

Conditions:
BRCA1-related cancer predisposition. Identifiers: MedGen CN377757, MONDO:0700268.
Hereditary cancer-predisposing syndrome. Also called: Neoplastic Syndromes, Hereditary; Hereditary Cancer Syndrome; Tumor predisposition; Hereditary neoplastic syndrome. Identifiers: Orphanet 140162, MedGen C0027672, MeSH D009386, MONDO:0015356.
Hereditary breast ovarian cancer syndrome. Also called: BRCA1- and BRCA2-Associated Hereditary Breast and Ovarian Cancer; Hereditary breast and ovarian cancer syndrome (HBOC); Hereditary breast and ovarian cancer syndrome; Hereditary breast and ovarian cancer; Hereditary breast and/or ovarian cancer syndrome; Breast and ovarian cancer. Identifiers: Orphanet 145, MedGen C0677776, MeSH D061325, MONDO:0003582. Disease mechanism: loss of function.
Breast-ovarian cancer, familial, susceptibility to, 1 (BROVCA1). Also called: OVARIAN CANCER, SUSCEPTIBILITY TO; BRCA1 Hereditary Breast and Ovarian Cancer. Identifiers: Orphanet 145, MedGen C2676676, MONDO:0011450, OMIM 604370. Disease mechanism: loss of function.

Allele frequency attached by ClinVar (database versions not stated): gnomAD exomes below 0.00001 and 0.00001; TOPMed below 0.00001; gnomAD 0.00001.
gnomAD v4.1: 13 of 1,613,952 alleles (0.00081%); highest among the groups gnomAD compares: Admixed American, 0.0017%; no homozygotes.

Submissions (10):

Evidence-based Network for the Interpretation of Germline Mutant Alleles (ENIGMA)
Classification: Likely benign for Breast-ovarian cancer, familial, susceptibility to, 1. Last evaluated: 2017-06-29. Review status: reviewed by expert panel. Criteria: ENIGMA BRCA1/2 Classification Criteria (2017-06-29). Collection method: curation. Allele origin: germline.
Comment: Synonymous substitution variant, with low bioinformatic likelihood to result in a splicing aberration (Splicing prior probability 0.02).

Labcorp Genetics (formerly Invitae), Labcorp
Classification: Likely benign for Hereditary breast ovarian cancer syndrome. Last evaluated: 2025-11-02. Review status: criteria provided, single submitter. Criteria: Invitae Variant Classification Sherloc (09022015). Collection method: clinical testing. Allele origin: germline. Not counted in ClinVar's aggregate classification.

Women's Health and Genetics/Laboratory Corporation of America, LabCorp
Classification: Likely benign. Last evaluated: 2025-04-28. Review status: criteria provided, single submitter. Criteria: LabCorp Variant Classification Summary - May 2015. Collection method: clinical testing. Allele origin: germline. Not counted in ClinVar's aggregate classification.

All of Us Research Program, National Institutes of Health
Classification: Likely benign for BRCA1-related cancer predisposition. Last evaluated: 2024-07-10. Review status: criteria provided, single submitter. Criteria: ACMG Guidelines, 2015. Collection method: clinical testing. Allele origin: germline. Inheritance: Autosomal dominant inheritance. Observed: 1 variant allele, 1 heterozygote. Not counted in ClinVar's aggregate classification.
Comment: This study involves interpretation of variants in research participants for the purpose of population health screening. Participant phenotype was not available at the time of variant classification. Additional details can be found in publication PMID: 35346344, PMCID: PMC8962531

CeGaT Center for Human Genetics Tuebingen
Classification: Likely benign. Last evaluated: 2023-07-01. Review status: criteria provided, single submitter. Criteria: CeGaT Center For Human Genetics Tuebingen Variant Classification Criteria Version 2. Collection method: clinical testing. Allele origin: germline. Affected: yes. Observed: 1 variant allele. Not counted in ClinVar's aggregate classification.
Comment: BRCA1: BP4, BP7

National Health Laboratory Service, Universitas Academic Hospital and University of the Free State
Classification: Likely benign for Hereditary breast ovarian cancer syndrome. Last evaluated: 2022-04-19. Review status: criteria provided, single submitter. Criteria: ACMG Guidelines, 2015. Collection method: clinical testing. Allele origin: germline. Affected: yes. Observed: 2 variant alleles. Not counted in ClinVar's aggregate classification.

GeneDx
Classification: Likely benign. Last evaluated: 2018-11-26. Review status: criteria provided, single submitter. Criteria: GeneDx Variant Classification Process June 2021. Collection method: clinical testing. Allele origin: germline. Affected: yes. Not counted in ClinVar's aggregate classification.

Color Diagnostics, LLC DBA Color Health
Classification: Likely benign for Hereditary cancer-predisposing syndrome. Last evaluated: 2016-09-23. Review status: criteria provided, single submitter. Criteria: ACMG Guidelines, 2015. Collection method: clinical testing. Allele origin: germline. Not counted in ClinVar's aggregate classification.

Ambry Genetics
Classification: Likely benign for Hereditary cancer-predisposing syndrome. Last evaluated: 2015-05-22. Review status: criteria provided, single submitter. Criteria: Ambry Variant Classification Scheme 2023. Collection method: clinical testing. Allele origin: germline. Not counted in ClinVar's aggregate classification.

Counsyl
Classification: Likely benign for Breast-ovarian cancer, familial, susceptibility to, 1. Last evaluated: 2016-03-10. Review status: no assertion criteria provided. Collection method: clinical testing. Allele origin: unknown. Not counted in ClinVar's aggregate classification.

Literature cited by the submitters: DOI 10.3389/fgene.2022.834265 (cited by National Health Laboratory Service, Universitas Academic Hospital and University of the Free State).

NM_007294.4(BRCA1):c.1998A>G (p.Leu666=)

Gene: BRCA1 (BRCA1 DNA repair associated; minus strand). Cytogenetic location: 17q21.31.
Variant type: single nucleotide variant.
Coding change: c.1998A>G on transcript NM_007294.4 (MANE Select); coding-DNA position 1998, A replaced by G.
Protein change: p.Leu666=; no amino-acid change (leucine 666 retained).
Molecular consequence: synonymous variant. On other transcripts: intron variant (137).
Genome position (GRCh38, 1-based): chr17:43,093,533, T>C on the plus strand (A>G on the coding strand, the complement: BRCA1 is on the minus strand). VCF-style: chr17-43093533-T-C. GRCh37 (hg19) VCF-style: chr17-41245550-T-C.
Other names: NP_009225.1:p.Leu666=; c.1785A>G, p.Leu595= (NM_001407571.1, NM_001407853.1, NM_001407894.1 and 9 more transcripts); c.1998A>G, p.Leu666= (NM_001407581.1, NM_001407582.1, NM_001407583.1 and 30 more transcripts); c.1995A>G, p.Leu665= (NM_001407587.1, NM_001407590.1, NM_001407591.1 and 22 more transcripts); c.1989A>G, p.Leu663= (NM_001407646.1, NM_001407647.1); c.1875A>G, p.Leu625= (NM_001407648.1, NM_001407664.1, NM_001407665.1 and 19 more transcripts); c.1872A>G, p.Leu624= (NM_001407649.1, NM_001407670.1, NM_001407671.1 and 11 more transcripts); c.1920A>G, p.Leu640= (NM_001407653.1, NM_001407654.1, NM_001407655.1 and 4 more transcripts); and 41 more.
Identifiers: ClinVar variation 220277 (VCV000220277.66), dbSNP rs864622452, ClinGen allele CA348902.